The following is an entry in ClinVar:

NM_000264.5(PTCH1):c.995G>C (p.Arg332Thr)

Gene: PTCH1 (patched 1; minus strand). Cytogenetic location: 9q22.32.
Variant type: single nucleotide variant.
Coding change: c.995G>C on transcript NM_000264.5 (MANE Select); coding-DNA position 995, G replaced by C.
Protein change: p.Arg332Thr; replaces arginine 332 with threonine.
Molecular consequence: missense variant. On other transcripts: non-coding transcript variant (1).
Genome position (GRCh38, 1-based): chr9:95,480,041, C>G on the plus strand (G>C on the coding strand, the complement: PTCH1 is on the minus strand). VCF-style: chr9-95480041-C-G. GRCh37 (hg19) VCF-style: chr9-98242323-C-G.
Other names: c.797G>C, p.Arg266Thr (NM_001083602.3); c.992G>C, p.Arg331Thr (NM_001083603.3); c.542G>C, p.Arg181Thr (NM_001083604.3, NM_001083605.3, NM_001083606.3 and 1 more transcripts); c.995G>C, p.Arg332Thr (NM_001354918.2); short protein forms R332T, R266T, R331T, R181T.
Identifiers: ClinVar variation 574379 (VCV000574379.9), dbSNP rs1564054690, ClinGen allele CA374119717.
Genomic context (GRCh38, chr9:95,480,041, plus strand): 5'-CCAGTGCTGTTCTTGACTGTGCCACCCACAATCAACTCCTCCTGCCAGTGCATATACTTT[C>G]TGGATAAGCCATGACATCCACCATTCAAAACAAGGGCCATATCAAGAGGCTAAAATAAAA-3'
Protein context (NP_000255.2, residues 322-342): VLNGGCHGLS[Arg332Thr]KYMHWQEELI

ClinVar aggregate classification (germline): Uncertain significance (1 of 4 stars; one submission).

Conditions:
Gorlin syndrome. Also called: Nevoid Basal Cell Carcinoma Syndrome; Basal cell nevus syndrome. Identifiers: Orphanet 377, MedGen C0004779, MONDO:0007187.

Allele frequency attached by ClinVar (database versions not stated): gnomAD exomes below 0.00001.
gnomAD v4.1: 1 of 1,614,048 alleles (0.000062%); highest among the groups gnomAD compares: Non-Finnish European, 0.000085%; no homozygotes.

Submission:

Labcorp Genetics (formerly Invitae), Labcorp
Classification: Uncertain significance for Gorlin syndrome. Last evaluated: 2018-06-06. Review status: criteria provided, single submitter. Criteria: Invitae Variant Classification Sherloc (09022015). Collection method: clinical testing. Allele origin: germline.
Comment: This variant is not present in population databases (ExAC no frequency). This sequence change replaces arginine with threonine at codon 332 of the PTCH1 protein (p.Arg332Thr). The arginine residue is moderately conserved and there is a moderate physicochemical difference between arginine and threonine. This variant has not been reported in the literature in individuals with PTCH1-related disease. In summary, the available evidence is currently insufficient to determine the role of this variant in disease. Therefore, it has been classified as a Variant of Uncertain Significance. Algorithms developed to predict the effect of missense changes on protein structure and function (SIFT, PolyPhen-2, Align-GVGD) all suggest that this variant is likely to be tolerated, but these predictions have not been confirmed by published functional studies and their clinical significance is uncertain.